The following is an entry in ClinVar:

ClinVar aggregate classification (germline): Uncertain significance (1 of 4 stars; one submission).

gnomAD v4.1: 3 of 1,614,026 alleles (0.00019%); highest among the groups gnomAD compares: Non-Finnish European, 0.00025%; no homozygotes.

Submission:

Labcorp Genetics (formerly Invitae), Labcorp
Classification: Uncertain significance. Last evaluated: 2024-04-03. Review status: criteria provided, single submitter. Criteria: Invitae Variant Classification Sherloc (09022015). Collection method: clinical testing. Allele origin: germline.
Comment: This sequence change replaces glycine, which is neutral and non-polar, with serine, which is neutral and polar, at codon 1109 of the ERBB4 protein (p.Gly1109Ser). This variant is not present in population databases (gnomAD no frequency). This variant has not been reported in the literature in individuals affected with ERBB4-related conditions. An algorithm developed to predict the effect of missense changes on protein structure and function (PolyPhen-2) suggests that this variant is likely to be disruptive. In summary, the available evidence is currently insufficient to determine the role of this variant in disease. Therefore, it has been classified as a Variant of Uncertain Significance.

NM_005235.3(ERBB4):c.3325G>A (p.Gly1109Ser)

Gene: ERBB4 (erb-b2 receptor tyrosine kinase 4; minus strand). Cytogenetic location: 2q34.
Variant type: single nucleotide variant.
Coding change: c.3325G>A on transcript NM_005235.3 (MANE Select); coding-DNA position 3325, G replaced by A.
Protein change: p.Gly1109Ser; replaces glycine 1109 with serine.
Molecular consequence: missense variant.
Genome position (GRCh38, 1-based): chr2:211,387,009, C>T on the plus strand (G>A on the coding strand, the complement: ERBB4 is on the minus strand). VCF-style: chr2-211387009-C-T. GRCh37 (hg19) VCF-style: chr2-212251734-C-T.
Other names: c.3277G>A, p.Gly1093Ser (NM_001042599.2); short protein forms G1093S, G1109S.
Identifiers: ClinVar variation 3695709 (VCV003695709.2).